The following is an entry in ClinVar:

ClinVar aggregate classification (germline): Uncertain significance (1 of 4 stars; one submission).

Submission:

GeneDx
Classification: Uncertain significance. Last evaluated: 2023-07-03. Review status: criteria provided, single submitter. Criteria: GeneDx Variant Classification Process June 2021. Collection method: clinical testing. Allele origin: germline. Affected: yes.
Comment: Not observed at significant frequency in large population cohorts (gnomAD); In silico analysis supports that this missense variant does not alter protein structure/function; Has not been previously published as pathogenic or benign to our knowledge; In silico analysis is inconclusive as to whether the variant alters gene splicing. In the absence of RNA/functional studies, the actual effect of this sequence change is unknown.

NM_006070.6(TFG):c.720A>C (p.Glu240Asp)

Gene: TFG (trafficking from ER to golgi regulator; plus strand). Cytogenetic location: 3q12.2.
Variant type: single nucleotide variant.
Coding change: c.720A>C on transcript NM_006070.6 (MANE Select); coding-DNA position 720, A replaced by C.
Protein change: p.Glu240Asp; replaces glutamic acid 240 with aspartic acid.
Molecular consequence: missense variant. On other transcripts: intron variant (1).
Genome position (GRCh38, 1-based): chr3:100,736,715, A>C. VCF-style: chr3-100736715-A-C. GRCh37 (hg19) VCF-style: chr3-100455559-A-C.
Other names: c.720A>C, p.Glu240Asp (NM_001007565.2, NM_001195478.2); c.709+11A>C (NM_001195479.2); short protein forms E240D.
Identifiers: ClinVar variation 1313147 (VCV001313147.3), dbSNP rs2149087713, ClinGen allele CA353847731.